The following is an entry in ClinVar:

ClinVar aggregate classification (germline): Uncertain significance (1 of 4 stars; one submission).

Conditions:
Dilated cardiomyopathy 1BB (CMD1BB). Also called: CARDIOMYOPATHY, DILATED, 1BB, SUSCEPTIBILITY TO. Identifiers: Orphanet 154, MedGen C2752072, MONDO:0013030, OMIM 612877.
Arrhythmogenic right ventricular dysplasia 10. Also called: Arrhythmogenic Right Ventricular Dysplasia/Cardiomyopathy10; Arrhythmogenic right ventricular dysplasia/cardiomyopathy, type 10; ARRHYTHMOGENIC RIGHT VENTRICULAR DYSPLASIA, FAMILIAL, 10. Identifiers: MedGen C1857777, MONDO:0012434, OMIM 610193.

Submission:

Juno Genomics, Hangzhou Juno Genomics, Inc
Classification: Uncertain significance for Arrhythmogenic right ventricular dysplasia 10; Dilated cardiomyopathy 1BB. Review status: criteria provided, single submitter. Criteria: ACMG Guidelines, 2015. Collection method: clinical testing. Allele origin: germline.
Comment: Absent from controls (or at extremely low frequency if recessive) in Genome Aggregation Database.;Multiple lines of computational evidence support a deleterious effect on the gene or gene product.

NM_001943.5(DSG2):c.685A>G (p.Arg229Gly)

Gene: DSG2 (desmoglein 2; plus strand). Cytogenetic location: 18q12.1.
Variant type: single nucleotide variant.
Coding change: c.685A>G on transcript NM_001943.5 (MANE Select); coding-DNA position 685, A replaced by G.
Protein change: p.Arg229Gly; replaces arginine 229 with glycine.
Molecular consequence: missense variant.
Genome position (GRCh38, 1-based): chr18:31,522,244, A>G. VCF-style: chr18-31522244-A-G. GRCh37 (hg19) VCF-style: chr18-29102207-A-G.
Other names: short protein forms R229G.
Identifiers: ClinVar variation 5005880 (VCV005005880.2).